The following is an entry in ClinVar:

NM_001267550.2(TTN):c.95230A>G (p.Ile31744Val)

Genes: TTN (titin; minus strand), TTN-AS1 (TTN antisense RNA 1; plus strand). Cytogenetic location: 2q31.2.
Variant type: single nucleotide variant.
Coding change: c.95230A>G on transcript NM_001267550.2 (MANE Select); coding-DNA position 95230, A replaced by G.
Protein change: p.Ile31744Val; replaces isoleucine 31744 with valine.
Molecular consequence: missense variant.
Genome position (GRCh38, 1-based): chr2:178,546,006, T>C on the plus strand (A>G on the coding strand, the complement: TTN is on the minus strand). VCF-style: chr2-178546006-T-C. GRCh37 (hg19) VCF-style: chr2-179410733-T-C.
Other names: c.90307A>G, p.Ile30103Val (NM_001256850.1); c.68035A>G, p.Ile22679Val (NM_003319.4); c.87526A>G, p.Ile29176Val (NM_133378.4); c.68410A>G, p.Ile22804Val (NM_133432.3); c.68611A>G, p.Ile22871Val (NM_133437.4); short protein forms I22679V, I22804V, I22871V, I29176V, I30103V, I31744V.
Identifiers: ClinVar variation 2437697 (VCV002437697.4), dbSNP rs749403545, ClinGen allele CA1986986.

ClinVar aggregate classification (germline): Uncertain significance. Review status: criteria provided, single submitter (1 of 4 stars). 2 submissions from 2 submitters: Uncertain significance (1). 1 of the submissions does not count toward it. Last evaluated 2020-09-09.

Conditions:
TTN-related disorder. Also called: TTN-related condition; TTN-related disease; TTN-related disorders.

Allele frequency attached by ClinVar (database versions not stated): gnomAD 0.00001; gnomAD exomes 0.00001; TOPMed 0.00002; ExAC 0.00001.
gnomAD v4.1: 15 of 1,613,708 alleles (0.00093%); highest among the groups gnomAD compares: African/African-American, 0.0027%; no homozygotes.

Submissions (2):

Revvity Omics, Revvity
Classification: Uncertain significance. Last evaluated: 2020-09-09. Review status: criteria provided, single submitter. Criteria: ACMG Guidelines, 2015. Collection method: clinical testing. Allele origin: germline.

PreventionGenetics, part of Exact Sciences
Classification: Uncertain significance for TTN-related condition. Last evaluated: 2024-06-26. Review status: no assertion criteria provided. Collection method: clinical testing. Allele origin: germline. Not counted in ClinVar's aggregate classification.
Comment: The TTN c.95230A>G variant is predicted to result in the amino acid substitution p.Ile31744Val. To our knowledge, this variant has not been reported in the literature. This variant is reported in 0.0065% of alleles in individuals of African descent in gnomAD. At this time, the clinical significance of this variant is uncertain due to the absence of conclusive functional and genetic evidence.